The following is an entry in ClinVar:

ClinVar aggregate classification (germline): Benign. Review status: criteria provided, multiple submitters, no conflicts (2 of 4 stars). 7 submissions from 7 submitters: Benign (7). Last evaluated 2026-02-04.

Conditions:
Intestinal hypomagnesemia 1. Also called: HYPOMAGNESEMIA, INTESTINAL, WITH SECONDARY HYPOCALCEMIA; HYPOMAGNESEMIC TETANY. Identifiers: Orphanet 30924, MedGen C1865974, MONDO:0011176, OMIM 602014.

Allele frequency attached by ClinVar (database versions not stated): ESP Exome Variant Server 0.27334; TOPMed 0.28488; gnomAD 0.28712 and 0.29745; 1000 Genomes Project 30x 0.35415; gnomAD exomes 0.35728 and 0.37877; 1000 Genomes Project 0.35883; ExAC 0.37221.
gnomAD v4.1: 566,655 of 1,613,754 alleles (35%); highest among the groups gnomAD compares: East Asian, 48%; 104,185 homozygotes.

Submissions (7):

Labcorp Genetics (formerly Invitae), Labcorp
Classification: Benign. Last evaluated: 2026-02-04. Review status: criteria provided, single submitter. Criteria: Invitae Variant Classification Sherloc (09022015). Collection method: clinical testing. Allele origin: germline.

Blueprint Genetics
Classification: Benign. Last evaluated: 2024-11-27. Review status: criteria provided, single submitter. Criteria: ACMG Guidelines, 2015. Collection method: clinical testing. Allele origin: germline.

Mayo Clinic Laboratories, Mayo Clinic
Classification: Benign. Last evaluated: 2022-03-09. Review status: criteria provided, single submitter. Criteria: ACMG Guidelines, 2015. Collection method: clinical testing. Allele origin: germline. Observed: 104 variant alleles.

Genome-Nilou Lab
Classification: Benign for Intestinal hypomagnesemia 1. Last evaluated: 2021-09-10. Review status: criteria provided, single submitter. Criteria: ACMG Guidelines, 2015. Collection method: clinical testing. Allele origin: germline. Affected: no.

GeneDx
Classification: Benign. Last evaluated: 2019-08-20. Review status: criteria provided, single submitter. Criteria: GeneDx Variant Classification Process June 2021. Collection method: clinical testing. Allele origin: germline. Affected: yes.

Illumina Laboratory Services, Illumina
Classification: Benign for Intestinal hypomagnesemia 1. Last evaluated: 2018-01-13. Review status: criteria provided, single submitter. Criteria: ICSL Variant Classification Criteria 13 December 2019. Collection method: clinical testing. Allele origin: germline.
Comment: This variant was observed in the ICSL laboratory as part of a predisposition screen in an ostensibly healthy population. It had not been previously curated by ICSL or reported in the Human Gene Mutation Database (HGMD: prior to June 1st, 2018), and was therefore a candidate for classification through an automated scoring system. Utilizing variant allele frequency, disease prevalence and penetrance estimates, and inheritance mode, an automated score was calculated to assess if this variant is too frequent to cause the disease. Based on the score and internal cut-off values, a variant classified as benign is not then subjected to further curation. The score for this variant resulted in a classification of benign for this disease.

Breakthrough Genomics
Classification: Benign. Review status: criteria provided, single submitter. Criteria: ACMG Guidelines, 2015. Collection method: not provided. Allele origin: germline. Inheritance: Autosomal recessive inheritance. Affected: yes.

NM_017662.5(TRPM6):c.954C>T (p.Gly318=)

Gene: TRPM6 (transient receptor potential cation channel subfamily M member 6; minus strand). Cytogenetic location: 9q21.13.
Variant type: single nucleotide variant.
Coding change: c.954C>T on transcript NM_017662.5 (MANE Select); coding-DNA position 954, C replaced by T.
Protein change: p.Gly318=; no amino-acid change (glycine 318 retained).
Molecular consequence: synonymous variant.
Genome position (GRCh38, 1-based): chr9:74,821,725, G>A on the plus strand (C>T on the coding strand, the complement: TRPM6 is on the minus strand). VCF-style: chr9-74821725-G-A. GRCh37 (hg19) VCF-style: chr9-77436641-G-A.
Other names: p.Gly318=; c.939C>T, p.Gly313= (NM_001177310.2, NM_001177311.2).
Identifiers: ClinVar variation 367327 (VCV000367327.19), dbSNP rs7018994, ClinGen allele CA5084990.
Genomic context (GRCh38, chr9:74,821,725, plus strand): 5'-TCACCCTTCATCTGCCAGGTGTTTGTGTGTGAAGGCCAGGAGGTCAGCCGCCCTACCTGT[G>A]CCCTCACACACCACCACTGGGTCCTTGTCCTTGACAGTCTCCCACACTGACAGGATGACG-3'
Protein context (NP_060132.3, residues 308-328): KDKDPVVVCE[Gly318=]TGRAADLLAF